The following is an entry in ClinVar:

ClinVar aggregate classification (germline): Uncertain significance (1 of 4 stars; one submission).

Conditions:
EAST syndrome (SESAMES). Also called: SEIZURES, SENSORINEURAL DEAFNESS, ATAXIA, IMPAIRED INTELLECTUAL DEVELOPMENT, AND ELECTROLYTE IMBALANCE. Identifiers: Orphanet 199343, MedGen C2748572, MONDO:0013005, OMIM 612780.

Allele frequency attached by ClinVar (database versions not stated): gnomAD exomes below 0.00001; ExAC 0.00001.

Submission:

Labcorp Genetics (formerly Invitae), Labcorp
Classification: Uncertain significance for EAST syndrome. Last evaluated: 2019-07-16. Review status: criteria provided, single submitter. Criteria: Invitae Variant Classification Sherloc (09022015). Collection method: clinical testing. Allele origin: germline.
Comment: This sequence change replaces alanine with threonine at codon 73 of the KCNJ10 protein (p.Ala73Thr). The alanine residue is highly conserved and there is a small physicochemical difference between alanine and threonine. This variant is present in population databases (rs779548724, ExAC 0.002%). This variant has not been reported in the literature in individuals with KCNJ10-related conditions. Algorithms developed to predict the effect of missense changes on protein structure and function are either unavailable or do not agree on the potential impact of this missense change (SIFT: "Deleterious"; PolyPhen-2: "Benign"; Align-GVGD: "Class C0"). In summary, the available evidence is currently insufficient to determine the role of this variant in disease. Therefore, it has been classified as a Variant of Uncertain Significance.

NM_002241.5(KCNJ10):c.217G>A (p.Ala73Thr)

Gene: KCNJ10 (potassium inwardly rectifying channel subfamily J member 10; minus strand). Cytogenetic location: 1q23.2.
Variant type: single nucleotide variant.
Coding change: c.217G>A on transcript NM_002241.5 (MANE Select); coding-DNA position 217, G replaced by A.
Protein change: p.Ala73Thr; replaces alanine 73 with threonine.
Molecular consequence: missense variant.
Genome position (GRCh38, 1-based): chr1:160,042,316, C>T on the plus strand (G>A on the coding strand, the complement: KCNJ10 is on the minus strand). VCF-style: chr1-160042316-C-T. GRCh37 (hg19) VCF-style: chr1-160012106-C-T.
Other names: short protein forms A73T.
Identifiers: ClinVar variation 961034 (VCV000961034.1), dbSNP rs779548724, ClinGen allele CA1193279.
Genomic context (GRCh38, chr1:160,042,316, plus strand): 5'-GTGCCACAGCTACCAGATACCACACCACGCCAAAGAGGAACCATGTGCCTGCAAAGGTCG[C>T]AGAGAAGAGCAGAAGCTTGTAGCGCCACTGCATGTCAATGAAGGTTGTCCACAGGTCCTT-3'
Protein context (NP_002232.2, residues 63-83): QWRYKLLLFS[Ala73Thr]TFAGTWFLFG